The following is an entry in ClinVar:

ClinVar aggregate classification (germline): Uncertain significance (1 of 4 stars; one submission).

Conditions:
Inborn genetic diseases. Identifiers: MedGen C0950123, MeSH D030342.

Submission:

Ambry Genetics
Classification: Uncertain significance for Inborn genetic diseases. Last evaluated: 2025-03-04. Review status: criteria provided, single submitter. Criteria: Ambry Variant Classification Scheme 2023. Collection method: clinical testing. Allele origin: germline.
Comment: The p.T835A variant (also known as c.2503A>G), located in coding exon 12 of the BMPR2 gene, results from an A to G substitution at nucleotide position 2503. The threonine at codon 835 is replaced by alanine, an amino acid with similar properties. This amino acid position is conserved. In addition, this alteration is predicted to be tolerated by in silico analysis. Based on the available evidence, the clinical significance of this variant remains unclear.

NM_001204.7(BMPR2):c.2503A>G (p.Thr835Ala)

Gene: BMPR2 (bone morphogenetic protein receptor type 2; plus strand). Cytogenetic location: 2q33.2.
Variant type: single nucleotide variant.
Coding change: c.2503A>G on transcript NM_001204.7 (MANE Select); coding-DNA position 2503, A replaced by G.
Protein change: p.Thr835Ala; replaces threonine 835 with alanine.
Molecular consequence: missense variant.
Genome position (GRCh38, 1-based): chr2:202,556,168, A>G. VCF-style: chr2-202556168-A-G. GRCh37 (hg19) VCF-style: chr2-203420891-A-G.
Other names: short protein forms T835A.
Identifiers: ClinVar variation 3824941 (VCV003824941.1).